The following is an entry in ClinVar:

ClinVar aggregate classification (germline): Uncertain significance (1 of 4 stars; one submission).

Conditions:
Peroxisome biogenesis disorder. Identifiers: Orphanet 79189, MedGen C1832200, MONDO:0019234. Disease mechanism: loss of function.

Allele frequency attached by ClinVar (database versions not stated): gnomAD exomes below 0.00001; gnomAD 0.00001; TOPMed 0.00001.
gnomAD v4.1: 4 of 1,613,760 alleles (0.00025%); highest among the groups gnomAD compares: Admixed American, 0.0017%; no homozygotes.

Submission:

Labcorp Genetics (formerly Invitae), Labcorp
Classification: Uncertain significance for Peroxisome biogenesis disorder. Last evaluated: 2021-09-17. Review status: criteria provided, single submitter. Criteria: Invitae Variant Classification Sherloc (09022015). Collection method: clinical testing. Allele origin: germline.
Comment: This sequence change replaces proline with alanine at codon 316 of the PEX6 protein (p.Pro316Ala). The proline residue is moderately conserved and there is a small physicochemical difference between proline and alanine. This variant is not present in population databases (ExAC no frequency). This variant has not been reported in the literature in individuals with PEX6-related conditions. Algorithms developed to predict the effect of missense changes on protein structure and function (SIFT, PolyPhen-2, Align-GVGD) all suggest that this variant is likely to be tolerated, but these predictions have not been confirmed by published functional studies and their clinical significance is uncertain. In summary, the available evidence is currently insufficient to determine the role of this variant in disease. Therefore, it has been classified as a Variant of Uncertain Significance.

NM_000287.4(PEX6):c.946C>G (p.Pro316Ala)

Gene: PEX6 (peroxisomal biogenesis factor 6; minus strand). Cytogenetic location: 6p21.1.
Variant type: single nucleotide variant.
Coding change: c.946C>G on transcript NM_000287.4 (MANE Select); coding-DNA position 946, C replaced by G.
Protein change: p.Pro316Ala; replaces proline 316 with alanine.
Molecular consequence: missense variant. On other transcripts: non-coding transcript variant (1).
Genome position (GRCh38, 1-based): chr6:42,974,975, G>C on the plus strand (C>G on the coding strand, the complement: PEX6 is on the minus strand). VCF-style: chr6-42974975-G-C. GRCh37 (hg19) VCF-style: chr6-42942713-G-C.
Other names: c.682C>G, p.Pro228Ala (NM_001316313.2); short protein forms P316A, P228A.
Identifiers: ClinVar variation 1520808 (VCV001520808.5), dbSNP rs1200072500, ClinGen allele CA364159962.